The following is an entry in ClinVar:

ClinVar aggregate classification (germline): Uncertain significance (1 of 4 stars; one submission).

Conditions:
Multiple congenital exostosis (EXT). Also called: Multiple osteochondromas; MULTIPLE CARTILAGINOUS EXOSTOSES; Hereditary multiple exostoses; Hereditary multiple exostosis; Hereditary multiple osteochondromas; Multiple exostoses. Identifiers: Orphanet 321, MedGen C0015306, MONDO:0005508, HP:0002762.

gnomAD v4.1: 1 of 1,614,186 alleles (0.000062%); highest among the groups gnomAD compares: Non-Finnish European, 0.000085%; no homozygotes.

Submission:

Labcorp Genetics (formerly Invitae), Labcorp
Classification: Uncertain significance for Multiple congenital exostosis. Last evaluated: 2020-08-24. Review status: criteria provided, single submitter. Criteria: Invitae Variant Classification Sherloc (09022015). Collection method: clinical testing. Allele origin: germline.
Comment: This sequence change replaces serine with proline at codon 167 of the EXT1 protein (p.Ser167Pro). The serine residue is highly conserved and there is a moderate physicochemical difference between serine and proline. This variant is not present in population databases (ExAC no frequency). This variant has not been reported in the literature in individuals with EXT1-related conditions. Algorithms developed to predict the effect of missense changes on protein structure and function are either unavailable or do not agree on the potential impact of this missense change (SIFT: "Deleterious"; PolyPhen-2: "Probably Damaging"; Align-GVGD: "Class C0"). In summary, the available evidence is currently insufficient to determine the role of this variant in disease. Therefore, it has been classified as a Variant of Uncertain Significance.

NM_000127.3(EXT1):c.499T>C (p.Ser167Pro)

Gene: EXT1 (exostosin glycosyltransferase 1; minus strand). Cytogenetic location: 8q24.11.
Variant type: single nucleotide variant.
Coding change: c.499T>C on transcript NM_000127.3 (MANE Select); coding-DNA position 499, T replaced by C.
Protein change: p.Ser167Pro; replaces serine 167 with proline.
Molecular consequence: missense variant.
Genome position (GRCh38, 1-based): chr8:118,110,548, A>G on the plus strand (T>C on the coding strand, the complement: EXT1 is on the minus strand). VCF-style: chr8-118110548-A-G. GRCh37 (hg19) VCF-style: chr8-119122787-A-G.
Other names: short protein forms S167P.
Identifiers: ClinVar variation 1010942 (VCV001010942.8), dbSNP rs1227559201, ClinGen allele CA371915712.